The following is an entry in ClinVar:

ClinVar aggregate classification (germline): Uncertain significance (1 of 4 stars; one submission).

Allele frequency attached by ClinVar (database versions not stated): gnomAD 0.00001; gnomAD exomes 0.00001.
gnomAD v4.1: 14 of 1,585,044 alleles (0.00088%); highest among the groups gnomAD compares: South Asian, 0.016%; no homozygotes.

Submission:

Labcorp Genetics (formerly Invitae), Labcorp
Classification: Uncertain significance. Last evaluated: 2024-06-17. Review status: criteria provided, single submitter. Criteria: Invitae Variant Classification Sherloc (09022015). Collection method: clinical testing. Allele origin: germline.
Comment: This sequence change replaces lysine, which is basic and polar, with threonine, which is neutral and polar, at codon 136 of the ACE protein (p.Lys136Thr). This variant is present in population databases (rs760310248, gnomAD 0.008%). This variant has not been reported in the literature in individuals affected with ACE-related conditions. ClinVar contains an entry for this variant (Variation ID: 2108202). Advanced modeling of protein sequence and biophysical properties (such as structural, functional, and spatial information, amino acid conservation, physicochemical variation, residue mobility, and thermodynamic stability) performed at Invitae indicates that this missense variant is not expected to disrupt ACE protein function with a negative predictive value of 80%. In summary, the available evidence is currently insufficient to determine the role of this variant in disease. Therefore, it has been classified as a Variant of Uncertain Significance.

NM_000789.4(ACE):c.407A>C (p.Lys136Thr)

Gene: ACE (angiotensin I converting enzyme; plus strand). Cytogenetic location: 17q23.3.
Variant type: single nucleotide variant.
Coding change: c.407A>C on transcript NM_000789.4 (MANE Select); coding-DNA position 407, A replaced by C.
Protein change: p.Lys136Thr; replaces lysine 136 with threonine.
Molecular consequence: missense variant. On other transcripts: 5 prime UTR variant (1).
Genome position (GRCh38, 1-based): chr17:63,478,088, A>C. VCF-style: chr17-63478088-A-C. GRCh37 (hg19) VCF-style: chr17-61555449-A-C.
Other names: c.172A>C, p.Ser58Arg (NM_001382700.1); c.-208A>C (NM_001382701.1); short protein forms S58R, K136T.
Identifiers: ClinVar variation 2108202 (VCV002108202.4), dbSNP rs760310248, ClinGen allele CA8699033.